The following is an entry in ClinVar:

NM_000214.3(JAG1):c.3255G>C (p.Leu1085Phe)

Gene: JAG1 (jagged canonical Notch ligand 1; minus strand). Cytogenetic location: 20p12.2.
Variant type: single nucleotide variant.
Coding change: c.3255G>C on transcript NM_000214.3 (MANE Select); coding-DNA position 3255, G replaced by C.
Protein change: p.Leu1085Phe; replaces leucine 1085 with phenylalanine.
Molecular consequence: missense variant.
Genome position (GRCh38, 1-based): chr20:10,639,900, C>G on the plus strand (G>C on the coding strand, the complement: JAG1 is on the minus strand). VCF-style: chr20-10639900-C-G. GRCh37 (hg19) VCF-style: chr20-10620548-C-G.
Other names: short protein forms L1085F.
Identifiers: ClinVar variation 2120328 (VCV002120328.4), dbSNP rs2514506693, ClinGen allele CA408243608.

ClinVar aggregate classification (germline): Uncertain significance (1 of 4 stars; one submission).

Conditions:
Alagille syndrome due to a JAG1 point mutation. Also called: HEPATIC DUCTULAR HYPOPLASIA, SYNDROMATIC; Alagille Syndrome 1; JAG1-Related Alagille Syndrome. Identifiers: Orphanet 261619, Orphanet 52, MedGen C1956125, MONDO:0016862, OMIM 118450.

Submission:

Labcorp Genetics (formerly Invitae), Labcorp
Classification: Uncertain significance for Alagille syndrome due to a JAG1 point mutation. Last evaluated: 2022-04-01. Review status: criteria provided, single submitter. Criteria: Invitae Variant Classification Sherloc (09022015). Collection method: clinical testing. Allele origin: germline.
Comment: Advanced modeling of protein sequence and biophysical properties (such as structural, functional, and spatial information, amino acid conservation, physicochemical variation, residue mobility, and thermodynamic stability) performed at Invitae indicates that this missense variant is not expected to disrupt JAG1 protein function. In summary, the available evidence is currently insufficient to determine the role of this variant in disease. Therefore, it has been classified as a Variant of Uncertain Significance. This variant has not been reported in the literature in individuals affected with JAG1-related conditions. This variant is not present in population databases (gnomAD no frequency). This sequence change replaces leucine, which is neutral and non-polar, with phenylalanine, which is neutral and non-polar, at codon 1085 of the JAG1 protein (p.Leu1085Phe).